The following is an entry in ClinVar:

NM_001374828.1(ARID1B):c.1851C>A (p.Asn617Lys)

Gene: ARID1B (AT-rich interaction domain 1B; plus strand). Cytogenetic location: 6q25.3.
Variant type: single nucleotide variant.
Coding change: c.1851C>A on transcript NM_001374828.1 (MANE Select); coding-DNA position 1851, C replaced by A.
Protein change: p.Asn617Lys; replaces asparagine 617 with lysine.
Molecular consequence: missense variant.
Genome position (GRCh38, 1-based): chr6:156,829,286, C>A. VCF-style: chr6-156829286-C-A. GRCh37 (hg19) VCF-style: chr6-157150420-C-A.
Other names: c.1602C>A, p.Asn534Lys (NM_001346813.1, NM_020732.3); c.1851C>A, p.Asn617Lys (NM_001371656.1, NM_001374820.1, NM_017519.3); c.1428C>A, p.Asn476Lys (NM_175863.2); short protein forms N476K, N534K, N617K.
Identifiers: ClinVar variation 2579926 (VCV002579926.2), dbSNP rs1217395033, ClinGen allele CA366383960.

ClinVar aggregate classification (germline): Uncertain significance (1 of 4 stars; one submission).

gnomAD v4.1: 1 of 1,614,202 alleles (0.000062%); no homozygotes.

Submission:

GeneDx
Classification: Uncertain significance. Last evaluated: 2026-02-10. Review status: criteria provided, single submitter. Criteria: GeneDx Variant Classification Process June 2021. Collection method: clinical testing. Allele origin: germline.
Comment: Not observed at significant frequency in large population cohorts (gnomAD); In silico analysis supports that this missense variant has a deleterious effect on protein structure/function; Has not been previously published as pathogenic or benign to our knowledge